The following is an entry in ClinVar:

NM_001195553.2(DCX):c.706-2794G>A

Gene: DCX (doublecortin; minus strand). Cytogenetic location: Xq23.
Variant type: single nucleotide variant.
Coding change: c.706-2794G>A on transcript NM_001195553.2 (MANE Select); 2794 bases into the intron before coding-DNA position 706, G replaced by A.
Molecular consequence: intron variant.
Genome position (GRCh38, 1-based): chrX:111,335,947, C>T on the plus strand (G>A on the coding strand, the complement: DCX is on the minus strand). VCF-style: chrX-111335947-C-T. GRCh37 (hg19) VCF-style: chrX-110579175-C-T.
Other names: NM_178151.3:c.706-2794G>A; c.706-2794G>A (NM_001369373.1, NM_178153.3, NM_001369372.1 and 6 more transcripts); c.949-2794G>A (NM_000555.3).
Identifiers: ClinVar variation 2500864 (VCV002500864.4), dbSNP rs2524701486, ClinGen allele CA2573332190.

ClinVar aggregate classification (germline): Conflicting classifications of pathogenicity. Review status: criteria provided, conflicting classifications (1 of 4 stars). 3 submissions from 2 submitters: Pathogenic (1); Uncertain significance (2). Last evaluated 2026-03-04.

Conditions:
Lissencephaly type 1 due to doublecortin gene mutation. Also called: LISSENCEPHALY, X-LINKED, 1; LISSENCEPHALY AND AGENESIS OF CORPUS CALLOSUM. Identifiers: Orphanet 2148, MedGen C4551968, MONDO:0010239, OMIM 300067.

Submissions (3):

Broad Center for Mendelian Genomics, Broad Institute of MIT and Harvard
Classification: Pathogenic for Lissencephaly type 1 due to doublecortin gene mutation. Last evaluated: 2026-03-04. Review status: criteria provided, single submitter. Criteria: ACMG Guidelines, 2015. Collection method: research. Allele origin: germline. Inheritance: X-linked inheritance. Study: GREGoR Consortium.
Comment: The c.706-2794G>A variant in DCX has not been previously reported in individuals with X-linked Lissencephaly and was absent from large population studies. Although this variant falls in an intronic region far from the consensus splice sequence, computational prediction tools suggest that this variant may alter splicing. Data from a high-throughput in vitro splicing assay support this prediction, demonstrating incorporation of a pseudoexon leading to frameshift and the introduction of a premature stop codon, which would then lead to an abnormal or absent protein (K. Bujakowska, personal communication). Loss of function of the DCX gene is an established disease mechanism in X-linked lissencephaly. In summary, this variant meets criteria to be classified as pathogenic for X-linked Lissencephaly. ACMG/AMP Criteria applied: PS2, PVS1_strong, PM2_supporting.

GeneDx
Classification: Uncertain significance. Last evaluated: 2024-08-12. Review status: criteria provided, single submitter. Criteria: GeneDx Variant Classification Process June 2021. Collection method: clinical testing. Allele origin: germline. Affected: yes.
Comment: Has not been previously published as pathogenic or benign to our knowledge; In silico analysis suggests this variant may impact gene splicing. In the absence of RNA/functional studies, the actual effect of this sequence change is unknown.

Broad Center for Mendelian Genomics, Broad Institute of MIT and Harvard
Classification: Uncertain significance for Lissencephaly type 1 due to doublecortin gene mutation. Last evaluated: 2023-05-02. Review status: criteria provided, single submitter. Criteria: ACMG Guidelines, 2015. Collection method: curation. Allele origin: germline. Inheritance: X-linked inheritance.
Comment: Trio genome analysis showed this variant to be de novo. The c.706-2794G>A variant in DCX has not been previously identified in individuals with X-linked lissencephaly. This variant was absent from large population studies. This variant is located in the 3' splice region. Computational tools predict a splicing impact, though this information is not predictive enough to determine pathogenicity. In summary, while there is some suspicion for a pathogenic role, the clinical significance of this variant is uncertain. ACMG/AMP Criteria applied: PS2_Moderate, PM2_Supporting, PP3 (Richards 2015).